The following is an entry in ClinVar:

ClinVar aggregate classification (germline): Uncertain significance (1 of 4 stars; one submission).

Allele frequency attached by ClinVar (database versions not stated): gnomAD exomes below 0.00001 and 0.00001; TOPMed 0.00001.

Submission:

Laboratory for Molecular Medicine, Mass General Brigham Personalized Medicine
Classification: Uncertain significance. Last evaluated: 2018-09-11. Review status: criteria provided, single submitter. Criteria: LMM Criteria. Collection method: clinical testing. Allele origin: germline. Observed: 1 variant allele.
Comment: Variant classified as Uncertain Significance - Favor Pathogenic. The p.Leu37Gluf sX16 variant in GFM2 has not been previously reported in individuals with diseas e and was detected in 1/111632 of European chromosomes by the Genome Aggregation Database (gnomAD). Although this variant has been seen in the general population, its frequency is not high enough to rule ou t a pathogenic role. This variant is predicted to cause a frameshift, which alte rs the protein?s amino acid sequence beginning at position 37 and leads to a pre mature termination codon 16 amino acids downstream. This alteration is then pred icted to lead to a truncated or absent protein. Biallelic loss of function of th e GFM2 gene has been associated with mitochondrial disease, but the gene-disease evidence is still moderate. In summary, while there is some suspicion for a pat hogenic role, the clinical significance of the p.Leu37GlufsX16 variant is uncert ain. ACMG/AMP Criteria applied: PM2, PVS1_Moderate.

NM_032380.5(GFM2):c.13_14del (p.Leu5fs)

Gene: GFM2 (GTP dependent ribosome recycling factor mitochondrial 2; minus strand). Cytogenetic location: 5q13.3.
Variant type: Deletion.
Coding change: c.13_14del on transcript NM_032380.5 (MANE Select); coding-DNA positions 13 to 14, 2 bases deleted (TT; older notation c.13_14delTT).
Protein change: p.Leu5fs; shifts the reading frame from leucine 5.
Molecular consequence: frameshift variant. On other transcripts: non-coding transcript variant (1).
Genome position (GRCh38, 1-based): chr5:74,763,729-74,763,730, AA deleted on the plus strand (TT on the coding strand, the reverse complement: GFM2 is on the minus strand). VCF-style (leftmost placement, unchanged base first): chr5-74763728-CAA-C. GRCh37 (hg19) VCF-style: chr5-74059553-CAA-C.
Other names: c.109_110del, p.Leu37fs (NM_001281302.2); c.13_14del, p.Leu5fs (NM_170681.3, NM_170691.3); short protein forms L5fs, L37fs.
Identifiers: ClinVar variation 667239 (VCV000667239.4), dbSNP rs1412568004, ClinGen allele CA560359331.